The following is an entry in ClinVar:

ClinVar aggregate classification (germline): Uncertain significance (1 of 4 stars; one submission).

Conditions:
Baller-Gerold syndrome (BGS). Also called: CRANIOSYNOSTOSIS WITH RADIAL DEFECTS. Identifiers: Orphanet 1225, MedGen C0265308, MONDO:0009039, OMIM 218600.

gnomAD v4.1: 1 of 1,612,582 alleles (0.000062%); highest among the groups gnomAD compares: Non-Finnish European, 0.000085%; no homozygotes.

Submission:

Labcorp Genetics (formerly Invitae), Labcorp
Classification: Uncertain significance for Baller-Gerold syndrome. Last evaluated: 2023-10-04. Review status: criteria provided, single submitter. Criteria: Invitae Variant Classification Sherloc (09022015). Collection method: clinical testing. Allele origin: germline.
Comment: This sequence change replaces glutamic acid, which is acidic and polar, with aspartic acid, which is acidic and polar, at codon 1152 of the RECQL4 protein (p.Glu1152Asp). This variant is not present in population databases (gnomAD no frequency). This variant has not been reported in the literature in individuals affected with RECQL4-related conditions. ClinVar contains an entry for this variant (Variation ID: 1046731). Advanced modeling of protein sequence and biophysical properties (such as structural, functional, and spatial information, amino acid conservation, physicochemical variation, residue mobility, and thermodynamic stability) performed at Invitae indicates that this missense variant is not expected to disrupt RECQL4 protein function. In summary, the available evidence is currently insufficient to determine the role of this variant in disease. Therefore, it has been classified as a Variant of Uncertain Significance.

NM_004260.4(RECQL4):c.3456G>C (p.Glu1152Asp)

Gene: RECQL4 (RecQ like helicase 4; minus strand). Cytogenetic location: 8q24.3.
Variant type: single nucleotide variant.
Coding change: c.3456G>C on transcript NM_004260.4 (MANE Select); coding-DNA position 3456, G replaced by C.
Protein change: p.Glu1152Asp; replaces glutamic acid 1152 with aspartic acid.
Molecular consequence: missense variant.
Genome position (GRCh38, 1-based): chr8:144,511,727, C>G on the plus strand (G>C on the coding strand, the complement: RECQL4 is on the minus strand). VCF-style: chr8-144511727-C-G. GRCh37 (hg19) VCF-style: chr8-145737110-C-G.
Other names: short protein forms E1152D.
Identifiers: ClinVar variation 1046731 (VCV001046731.5), dbSNP rs756549605, ClinGen allele CA372667026.